The following is an entry in ClinVar:

NM_006017.3(PROM1):c.1827G>T (p.Leu609=)

Gene: PROM1 (prominin 1; minus strand). Cytogenetic location: 4p15.32.
Variant type: single nucleotide variant.
Coding change: c.1827G>T on transcript NM_006017.3 (MANE Select); coding-DNA position 1827, G replaced by T.
Protein change: p.Leu609=; no amino-acid change (leucine 609 retained).
Molecular consequence: synonymous variant.
Genome position (GRCh38, 1-based): chr4:15,992,332, C>A on the plus strand (G>T on the coding strand, the complement: PROM1 is on the minus strand). VCF-style: chr4-15992332-C-A. GRCh37 (hg19) VCF-style: chr4-15993955-C-A.
Other names: c.1800G>T, p.Leu600= (NM_001145847.2, NM_001145848.2, NM_001145851.2 and 4 more transcripts); c.1827G>T, p.Leu609= (NM_001145849.2, NM_001145850.2).
Identifiers: ClinVar variation 1914319 (VCV001914319.5), dbSNP rs1721272021, ClinGen allele CA438383053.

ClinVar aggregate classification (germline): Uncertain significance (1 of 4 stars; one submission).

Allele frequency attached by ClinVar (database versions not stated): gnomAD exomes below 0.00001; TOPMed 0.00001.
gnomAD v4.1: 2 of 1,613,758 alleles (0.00012%); highest among the groups gnomAD compares: Admixed American, 0.0017%; no homozygotes.

Submission:

Labcorp Genetics (formerly Invitae), Labcorp
Classification: Uncertain significance. Last evaluated: 2022-07-05. Review status: criteria provided, single submitter. Criteria: Invitae Variant Classification Sherloc (09022015). Collection method: clinical testing. Allele origin: germline.
Comment: This sequence change affects codon 609 of the PROM1 mRNA. It is a 'silent' change, meaning that it does not change the encoded amino acid sequence of the PROM1 protein. In summary, the available evidence is currently insufficient to determine the role of this variant in disease. Therefore, it has been classified as a Variant of Uncertain Significance. Algorithms developed to predict the effect of sequence changes on RNA splicing suggest that this variant may create or strengthen a splice site. This variant has not been reported in the literature in individuals affected with PROM1-related conditions. This variant is not present in population databases (gnomAD no frequency).